The following is an entry in ClinVar:

ClinVar aggregate classification (germline): Benign/Likely benign. Review status: criteria provided, multiple submitters, no conflicts (2 of 4 stars). 4 submissions from 4 submitters: Benign (2); Likely benign (2). Last evaluated 2025-12-23.

Conditions:
Hereditary hemorrhagic telangiectasia (HHT). Also called: Osler hemorrhagic telangiectasia syndrome; ORW DISEASE; Osler Weber Rendu syndrome; OSLER-RENDU-WEBER DISEASE. Identifiers: Orphanet 774, MedGen C0039445, MONDO:0019180. Disease mechanism: loss of function.
Cardiovascular phenotype. Identifiers: MedGen CN230736.
Telangiectasia, hereditary hemorrhagic, type 1 (HHT1). Also called: Osler Weber Rendu syndrome type 1; ENG-Related Hereditary Hemorrhagic Telangiectasia. Identifiers: Orphanet 774, MedGen C4551861, MONDO:0008535, OMIM 187300. Disease mechanism: loss of function.

Allele frequency attached by ClinVar (database versions not stated): gnomAD exomes 0.00004 and 0.00001; ExAC 0.00005; TOPMed 0.00001.

Submissions (4):

Labcorp Genetics (formerly Invitae), Labcorp
Classification: Benign for Hereditary hemorrhagic telangiectasia. Last evaluated: 2025-12-23. Review status: criteria provided, single submitter. Criteria: Invitae Variant Classification Sherloc (09022015). Collection method: clinical testing. Allele origin: germline.

Ambry Genetics
Classification: Likely benign for Cardiovascular phenotype. Last evaluated: 2024-09-17. Review status: criteria provided, single submitter. Criteria: Ambry Variant Classification Scheme 2023. Collection method: clinical testing. Allele origin: germline.

Blueprint Genetics
Classification: Likely benign. Last evaluated: 2022-09-14. Review status: criteria provided, single submitter. Criteria: ACMG Guidelines, 2015. Collection method: clinical testing. Allele origin: germline.

Illumina Laboratory Services, Illumina
Classification: Benign for Telangiectasia, hereditary hemorrhagic, type 1. Last evaluated: 2018-03-26. Review status: criteria provided, single submitter. Criteria: ICSL Variant Classification Criteria 13 December 2019. Collection method: clinical testing. Allele origin: germline.
Comment: This variant was observed in the ICSL laboratory as part of a predisposition screen in an ostensibly healthy population. It had not been previously curated by ICSL or reported in the Human Gene Mutation Database (HGMD: prior to June 1st, 2018), and was therefore a candidate for classification through an automated scoring system. Utilizing variant allele frequency, disease prevalence and penetrance estimates, and inheritance mode, an automated score was calculated to assess if this variant is too frequent to cause the disease. Based on the score and internal cut-off values, a variant classified as benign is not then subjected to further curation. The score for this variant resulted in a classification of benign for this disease.

NM_001114753.3(ENG):c.112G>A (p.Glu38Lys)

Gene: ENG (endoglin; minus strand). Cytogenetic location: 9q34.11.
Variant type: single nucleotide variant.
Coding change: c.112G>A on transcript NM_001114753.3 (MANE Select); coding-DNA position 112, G replaced by A.
Protein change: p.Glu38Lys; replaces glutamic acid 38 with lysine.
Molecular consequence: missense variant. On other transcripts: 5 prime UTR variant (1).
Genome position (GRCh38, 1-based): chr9:127,843,201, C>T on the plus strand (G>A on the coding strand, the complement: ENG is on the minus strand). VCF-style: chr9-127843201-C-T. GRCh37 (hg19) VCF-style: chr9-130605480-C-T.
Other names: c.112G>A (NM_001114753.1); c.112G>A, p.Glu38Lys (NM_000118.4, NM_001406715.1); c.-435G>A (NM_001278138.2); short protein forms E38K.
Identifiers: ClinVar variation 568326 (VCV000568326.17), dbSNP rs747481834, ClinGen allele CA5253228.